The following is an entry in ClinVar:

ClinVar aggregate classification (germline): Likely benign. Review status: criteria provided, multiple submitters, no conflicts (2 of 4 stars). 2 submissions from 2 submitters: Likely benign (2). Last evaluated 2026-02-01.

Allele frequency attached by ClinVar (database versions not stated): ESP Exome Variant Server 0.00015; 1000 Genomes Project 30x 0.00016; gnomAD 0.00018; 1000 Genomes Project 0.00020; TOPMed 0.00048; ExAC 0.00069.
gnomAD v4.1: 367 of 1,614,224 alleles (0.023%); highest among the groups gnomAD compares: Admixed American, 0.34%; 2 homozygotes.

Submissions (2):

Labcorp Genetics (formerly Invitae), Labcorp
Classification: Likely benign. Last evaluated: 2026-02-01. Review status: criteria provided, single submitter. Criteria: Invitae Variant Classification Sherloc (09022015). Collection method: clinical testing. Allele origin: germline.

Women's Health and Genetics/Laboratory Corporation of America, LabCorp
Classification: Likely benign. Last evaluated: 2023-10-06. Review status: criteria provided, single submitter. Criteria: LabCorp Variant Classification Summary - May 2015. Collection method: clinical testing. Allele origin: germline.
Comment: Variant summary: SCNN1B c.1300G>A (p.Val434Met) results in a conservative amino acid change in the encoded protein sequence. Four of four in-silico tools predict a benign effect of the variant on protein function. The variant allele was found at a frequency of 0.00073 in 251308 control chromosomes, predominantly at a frequency of 0.0049 within the Latino subpopulation in the gnomAD database. c.1300G>A has been reported in the literature in individuals affected with hypertention, without strong evidence for causality (examples, Matsubara_2002, Persu_1998). These report(s) do not provide unequivocal conclusions about association of the variant with SCNN1B-Related Disorders. To our knowledge, no experimental evidence demonstrating an impact on protein function has been reported. One submitter has cited clinical-significance assessments for this variant to ClinVar after 2014 and has classified the variant as likely benign. Based on the evidence outlined above, the variant was classified as likely benign.

Literature cited by the submitters: PubMed 11863256 (cited by Women's Health and Genetics/Laboratory Corporation of America, LabCorp); PubMed 9674649 (cited by Women's Health and Genetics/Laboratory Corporation of America, LabCorp).

NM_000336.3(SCNN1B):c.1300G>A (p.Val434Met)

Gene: SCNN1B (sodium channel epithelial 1 subunit beta; plus strand). Cytogenetic location: 16p12.2.
Variant type: single nucleotide variant.
Coding change: c.1300G>A on transcript NM_000336.3 (MANE Select); coding-DNA position 1300, G replaced by A.
Protein change: p.Val434Met; replaces valine 434 with methionine.
Molecular consequence: missense variant.
Genome position (GRCh38, 1-based): chr16:23,377,194, G>A. VCF-style: chr16-23377194-G-A. GRCh37 (hg19) VCF-style: chr16-23388515-G-A.
Other names: c.1192G>A, p.Val398Met (NM_001410900.1); short protein forms V434M, V398M.
Identifiers: ClinVar variation 2066684 (VCV002066684.5), dbSNP rs201330438, ClinGen allele CA7960457.